The following is an entry in ClinVar:

ClinVar aggregate classification (germline): Pathogenic (1 of 4 stars; one submission).

Conditions:
EGFR-related lung cancer (EGFR). Identifiers: MedGen CN130014.

Submission:

Labcorp Genetics (formerly Invitae), Labcorp
Classification: Pathogenic for EGFR-related lung cancer. Last evaluated: 2021-09-24. Review status: criteria provided, single submitter. Criteria: Invitae Variant Classification Sherloc (09022015). Collection method: clinical testing. Allele origin: germline.
Comment: For these reasons, this variant has been classified as Pathogenic. ClinVar contains an entry for this variant (Variation ID: 1005727). This variant has not been reported in the literature in individuals affected with EGFR-related conditions. This variant is not present in population databases (ExAC no frequency). This sequence change creates a premature translational stop signal (p.Cys535*) in the EGFR gene. It is expected to result in an absent or disrupted protein product. Loss-of-function variants in EGFR are known to be pathogenic (PMID: 7630400, 28726809, 29899996).

Literature cited by the submitters: PubMed 7630400; PubMed 28726809; PubMed 29899996.

NM_005228.5(EGFR):c.1605C>A (p.Cys535Ter)

Gene: EGFR (epidermal growth factor receptor; plus strand). Cytogenetic location: 7p11.2.
Variant type: single nucleotide variant.
Coding change: c.1605C>A on transcript NM_005228.5 (MANE Select); coding-DNA position 1605, C replaced by A.
Protein change: p.Cys535Ter; replaces cysteine 535 with a stop codon.
Molecular consequence: nonsense.
Genome position (GRCh38, 1-based): chr7:55,161,605, C>A. VCF-style: chr7-55161605-C-A. GRCh37 (hg19) VCF-style: chr7-55229298-C-A.
Other names: c.1470C>A, p.Cys490Ter (NM_001346897.2, NM_001346899.2); c.1605C>A, p.Cys535Ter (NM_001346898.2, NM_201282.2, NM_201284.2); c.1446C>A, p.Cys482Ter (NM_001346900.2); c.804C>A, p.Cys268Ter (NM_001346941.2); short protein forms C268*, C482*, C490*, C535*.
Identifiers: ClinVar variation 1005727 (VCV001005727.6), dbSNP rs763346690, ClinGen allele CA367579989.